The following is an entry in ClinVar:

ClinVar aggregate classification (germline): Pathogenic (1 of 4 stars; one submission).

Conditions:
Inborn genetic diseases. Identifiers: MedGen C0950123, MeSH D030342.

Submission:

Ambry Genetics
Classification: Pathogenic for Inborn genetic diseases. Last evaluated: 2024-08-19. Review status: criteria provided, single submitter. Criteria: Ambry Variant Classification Scheme 2023. Collection method: clinical testing. Allele origin: germline.
Comment: The c.2834delC (p.P945Lfs*14) alteration, located in exon 21 (coding exon 20) of the CNOT1 gene, consists of a deletion of one nucleotide at position 2834, causing a translational frameshift with a predicted alternate stop codon after 14 amino acids. This alteration is expected to result in loss of function by premature protein truncation or nonsense-mediated mRNA decay. This variant was not reported in population-based cohorts in the Genome Aggregation Database (gnomAD). Based on the available evidence, this alteration is classified as pathogenic.

NM_016284.5(CNOT1):c.2834del (p.Pro945fs)

Gene: CNOT1 (CCR4-NOT transcription complex subunit 1; minus strand). Cytogenetic location: 16q21.
Variant type: Deletion.
Coding change: c.2834del on transcript NM_016284.5 (MANE Select); coding-DNA position 2834, one base deleted (C; older notation c.2834delC).
Protein change: p.Pro945fs; shifts the reading frame from proline 945.
Molecular consequence: frameshift variant. On other transcripts: non-coding transcript variant (1).
Genome position (GRCh38, 1-based): chr16:58,555,308, G deleted on the plus strand (C on the coding strand, the reverse complement: CNOT1 is on the minus strand); the first of 2 consecutive G bases (chr16:58,555,308-58,555,309); deleting either gives the same sequence. VCF-style (leftmost placement, unchanged base first): chr16-58555307-AG-A. GRCh37 (hg19) VCF-style: chr16-58589211-AG-A.
Other names: c.2819del, p.Pro940fs (NM_001265612.2); c.2834del, p.Pro945fs (NM_206999.3); short protein forms P940fs, P945fs.
Identifiers: ClinVar variation 3494452 (VCV003494452.1).